The following is an entry in ClinVar:

ClinVar aggregate classification (germline): Uncertain significance (1 of 4 stars; one submission).

Allele frequency attached by ClinVar (database versions not stated): gnomAD 0.00003 and 0.00004; gnomAD exomes 0.00003 and 0.00005; TOPMed 0.00003; ExAC 0.00005.
gnomAD v4.1: 46 of 1,614,002 alleles (0.0029%); highest among the groups gnomAD compares: South Asian, 0.029%; no homozygotes.

Submission:

GeneDx
Classification: Uncertain significance. Last evaluated: 2022-01-13. Review status: criteria provided, single submitter. Criteria: GeneDx Variant Classification Process June 2021. Collection method: clinical testing. Allele origin: germline. Affected: yes.
Comment: In silico analysis supports that this missense variant has a deleterious effect on protein structure/function; Has not been previously published as pathogenic or benign to our knowledge

NM_017875.4(SLC25A38):c.524G>A (p.Arg175Gln)

Gene: SLC25A38 (solute carrier family 25 member 38; plus strand). Cytogenetic location: 3p22.1.
Variant type: single nucleotide variant.
Coding change: c.524G>A on transcript NM_017875.4 (MANE Select); coding-DNA position 524, G replaced by A.
Protein change: p.Arg175Gln; replaces arginine 175 with glutamine.
Molecular consequence: missense variant.
Genome position (GRCh38, 1-based): chr3:39,391,920, G>A. VCF-style: chr3-39391920-G-A. GRCh37 (hg19) VCF-style: chr3-39433411-G-A.
Other names: c.524G>A, p.Arg175Gln (NM_001354798.2); short protein forms R175Q.
Identifiers: ClinVar variation 1697033 (VCV001697033.2), dbSNP rs752725073, ClinGen allele CA2327490.
Genomic context (GRCh38, chr3:39,391,920, plus strand): 5'-AATATGGCTATGAGAGTATCTACGCTGCCCTGAGGAGCATCTATCACAGTGAGGGGCACC[G>A]GGGCCTCTTCAGTGGCCTGACAGCAACTCTCCTTCGAGATGCGCCCTTCTCAGGAATCTA-3'
Protein context (NP_060345.2, residues 165-185): LRSIYHSEGH[Arg175Gln]GLFSGLTATL